The following is an entry in ClinVar:

ClinVar aggregate classification (germline): Uncertain significance (1 of 4 stars; one submission).

Conditions:
Spastic paraplegia. Identifiers: MedGen C0037772, HP:0001258.

Submission:

Labcorp Genetics (formerly Invitae), Labcorp
Classification: Uncertain significance for Spastic paraplegia. Last evaluated: 2025-04-09. Review status: criteria provided, single submitter. Criteria: Invitae Variant Classification Sherloc (09022015). Collection method: clinical testing. Allele origin: germline.
Comment: This sequence change replaces tryptophan, which is neutral and slightly polar, with cysteine, which is neutral and slightly polar, at codon 351 of the RTN2 protein (p.Trp351Cys). This variant is not present in population databases (gnomAD no frequency). This variant has not been reported in the literature in individuals affected with RTN2-related conditions. ClinVar contains an entry for this variant (Variation ID: 2781423). An algorithm developed to predict the effect of missense changes on protein structure and function (PolyPhen-2) suggests that this variant is likely to be disruptive. In summary, the available evidence is currently insufficient to determine the role of this variant in disease. Therefore, it has been classified as a Variant of Uncertain Significance.

NM_005619.5(RTN2):c.1053G>T (p.Trp351Cys)

Genes: OPA3-RTN2 (OPA3-RTN2 readthrough; minus strand), RTN2 (reticulon 2; minus strand). Cytogenetic location: 19q13.32.
Variant type: single nucleotide variant.
Coding change: c.1053G>T on transcript NM_005619.5 (MANE Select); coding-DNA position 1053, G replaced by T.
Protein change: p.Trp351Cys; replaces tryptophan 351 with cysteine.
Molecular consequence: missense variant.
Genome position (GRCh38, 1-based): chr19:45,489,534, C>A on the plus strand (G>T on the coding strand, the complement: RTN2 is on the minus strand). VCF-style: chr19-45489534-C-A. GRCh37 (hg19) VCF-style: chr19-45992792-C-A.
Other names: c.834G>T, p.Trp278Cys (NM_206900.3); c.33G>T, p.Trp11Cys (NM_206901.3); short protein forms W11C, W278C, W351C.
Identifiers: ClinVar variation 2781423 (VCV002781423.3), dbSNP rs2513734086, ClinGen allele CA406357239.